The following is an entry in ClinVar:

ClinVar aggregate classification (germline): Uncertain significance (1 of 4 stars; one submission).

gnomAD v4.1: 12 of 1,614,180 alleles (0.00074%); highest among the groups gnomAD compares: East Asian, 0.022%; no homozygotes.

Submission:

Labcorp Genetics (formerly Invitae), Labcorp
Classification: Uncertain significance. Last evaluated: 2024-09-19. Review status: criteria provided, single submitter. Criteria: Invitae Variant Classification Sherloc (09022015). Collection method: clinical testing. Allele origin: germline.
Comment: This sequence change replaces arginine, which is basic and polar, with glutamine, which is neutral and polar, at codon 345 of the RFWD3 protein (p.Arg345Gln). This variant is present in population databases (rs202114346, gnomAD 0.01%). This variant has not been reported in the literature in individuals affected with RFWD3-related conditions. An algorithm developed to predict the effect of missense changes on protein structure and function (PolyPhen-2) suggests that this variant is likely to be disruptive. In summary, the available evidence is currently insufficient to determine the role of this variant in disease. Therefore, it has been classified as a Variant of Uncertain Significance.

NM_018124.4(RFWD3):c.1034G>A (p.Arg345Gln)

Gene: RFWD3 (ring finger and WD repeat domain 3; minus strand). Cytogenetic location: 16q23.1.
Variant type: single nucleotide variant.
Coding change: c.1034G>A on transcript NM_018124.4 (MANE Select); coding-DNA position 1034, G replaced by A.
Protein change: p.Arg345Gln; replaces arginine 345 with glutamine.
Molecular consequence: missense variant.
Genome position (GRCh38, 1-based): chr16:74,644,407, C>T on the plus strand (G>A on the coding strand, the complement: RFWD3 is on the minus strand). VCF-style: chr16-74644407-C-T. GRCh37 (hg19) VCF-style: chr16-74678305-C-T.
Other names: c.1034G>A, p.Arg345Gln (NM_001370534.1, NM_001370535.1, NM_001370536.1); c.200G>A, p.Arg67Gln (NM_001370537.1, NM_001370539.1, NM_001370540.1 and 2 more transcripts); short protein forms R345Q, R67Q.
Identifiers: ClinVar variation 3682637 (VCV003682637.2).